The following is an entry in ClinVar:

NM_016734.3(PAX5):c.739T>G (p.Ser247Ala)

Gene: PAX5 (paired box 5; minus strand). Cytogenetic location: 9p13.2.
Variant type: single nucleotide variant.
Coding change: c.739T>G on transcript NM_016734.3 (MANE Select); coding-DNA position 739, T replaced by G.
Protein change: p.Ser247Ala; replaces serine 247 with alanine.
Molecular consequence: missense variant. On other transcripts: non-coding transcript variant (2).
Genome position (GRCh38, 1-based): chr9:36,966,590, A>C on the plus strand (T>G on the coding strand, the complement: PAX5 is on the minus strand). VCF-style: chr9-36966590-A-C. GRCh37 (hg19) VCF-style: chr9-36966587-A-C.
Other names: c.739T>G, p.Ser247Ala (NM_001280547.2, NM_001280548.2, NM_001280549.2 and 2 more transcripts); c.415T>G, p.Ser139Ala (NM_001280551.2, NM_001280556.2); c.610T>G, p.Ser204Ala (NM_001280553.2, NM_001280554.2); c.541T>G, p.Ser181Ala (NM_001280555.2); short protein forms S181A, S247A, S139A, S204A.
Identifiers: ClinVar variation 4626950 (VCV004626950.1).
Genomic context (GRCh38, chr9:36,966,590, plus strand): 5'-CGTGCATCACGAGGCGTACCTGCTCGGGCTTGATGGGCTCTGTGGTGGTGAAGATGTCTG[A>C]GTAGTGCTGCCTCTCAAACACGCGGTCCAGCACCTCCAGCTGCTGCTGTGTGAACAAGTC-3'
Protein context (NP_057953.1, residues 237-257): LDRVFERQHY[Ser247Ala]DIFTTTEPIK

ClinVar aggregate classification (germline): Uncertain significance (1 of 4 stars; one submission).

Conditions:
Inborn genetic diseases. Identifiers: MedGen C0950123, MeSH D030342.

Submission:

Ambry Genetics
Classification: Uncertain significance for Inborn genetic diseases. Last evaluated: 2025-10-23. Review status: criteria provided, single submitter. Criteria: Ambry Variant Classification Scheme 2023. Collection method: clinical testing. Allele origin: germline.
Comment: The p.S247A variant (also known as c.739T>G), located in coding exon 6 of the PAX5 gene, results from a T to G substitution at nucleotide position 739. The serine at codon 247 is replaced by alanine, an amino acid with similar properties. This amino acid position is conserved. In addition, the in silico prediction for this alteration is inconclusive. Based on the available evidence, the clinical significance of this variant remains unclear.